The following is an entry in ClinVar:

ClinVar aggregate classification (germline): Uncertain significance (1 of 4 stars; one submission).

Submission:

Ambry Genetics
Classification: Uncertain significance. Last evaluated: 2022-11-15. Review status: criteria provided, single submitter. Criteria: Ambry Variant Classification Scheme 2023. Collection method: clinical testing. Allele origin: germline.
Comment: The p.T1045A variant (also known as c.3133A>G), located in coding exon 27 of the PRKDC gene, results from an A to G substitution at nucleotide position 3133. The threonine at codon 1045 is replaced by alanine, an amino acid with similar properties. This amino acid position is conserved. In addition, the in silico prediction for this alteration is inconclusive. Since supporting evidence is limited at this time, the clinical significance of this alteration remains unclear.

NM_006904.7(PRKDC):c.3133A>G (p.Thr1045Ala)

Gene: PRKDC (protein kinase, DNA-activated, catalytic subunit; minus strand). Cytogenetic location: 8q11.21.
Variant type: single nucleotide variant.
Coding change: c.3133A>G on transcript NM_006904.7 (MANE Select); coding-DNA position 3133, A replaced by G.
Protein change: p.Thr1045Ala; replaces threonine 1045 with alanine.
Molecular consequence: missense variant.
Genome position (GRCh38, 1-based): chr8:47,902,705, T>C on the plus strand (A>G on the coding strand, the complement: PRKDC is on the minus strand). VCF-style: chr8-47902705-T-C. GRCh37 (hg19) VCF-style: chr8-48815265-T-C.
Other names: c.3133A>G, p.Thr1045Ala (NM_001081640.2); short protein forms T1045A.
Identifiers: ClinVar variation 2449815 (VCV002449815.2), dbSNP rs2551875584, ClinGen allele CA371156967.
Genomic context (GRCh38, chr8:47,902,705, plus strand): 5'-TATAAAGTCGCTTGAAAAGCGATTTGGTGTTTACTGGACTCTTCTCCTGCTGCTGTGGTG[T>C]TATTTGCTTAATGGACCATTTAAGGAATTCTCGAATACACCGACCACAAAAATCTCTTAA-3'
Protein context (NP_008835.5, residues 1035-1055): EFLKWSIKQI[Thr1045Ala]PQQQEKSPVN